The following is an entry in ClinVar:

ClinVar aggregate classification (germline): Pathogenic (1 of 4 stars; one submission).

Conditions:
Autosomal dominant nonsyndromic hearing loss 5. Identifiers: Orphanet 90635, MedGen C1832932, MONDO:0010973, OMIM 600994.

Submission:

Precision Medicine Center, Zhengzhou University
Classification: Pathogenic for Autosomal dominant nonsyndromic hearing loss 5. Last evaluated: 2006-06-30. Review status: criteria provided, single submitter. Criteria: ClinGen HL ACMG Specifications v1. Collection method: clinical testing. Allele origin: paternal. Affected: yes.
Comment: PVS1+PM2:The GSDME c.1032dup variant is a frameshift duplication predicted to introduce a premature termination codon, resulting in loss of normal protein function via nonsense-mediated decay (PVS1). The variant is absent or extremely rare in population databases (PM2). According to the ACMG/AMP guidelines, this variant is classified as Pathogenic.

NM_001127453.2(GSDME):c.1032dup (p.Leu345fs)

Gene: GSDME (gasdermin E; minus strand). Cytogenetic location: 7p15.3.
Variant type: Duplication.
Coding change: c.1032dup on transcript NM_001127453.2 (MANE Select); coding-DNA position 1032, one base duplicated (G; older notation c.1032dupG).
Protein change: p.Leu345fs; shifts the reading frame from leucine 345.
Molecular consequence: frameshift variant.
Genome position (GRCh38, 1-based): chr7:24,706,335, C duplicated on the plus strand (G on the coding strand, the reverse complement: GSDME is on the minus strand). VCF-style (leftmost placement, unchanged base first): chr7-24706334-G-GC. GRCh37 (hg19) VCF-style: chr7-24745953-G-GC.
Other names: c.540dup, p.Leu181fs (NM_001127454.2, NM_001438059.1); c.1032dup, p.Leu345fs (NM_004403.3); short protein forms L181fs, L345fs.
Identifiers: ClinVar variation 4857403 (VCV004857403.1).